The following is an entry in ClinVar:

ClinVar aggregate classification (germline): Uncertain significance (1 of 4 stars; one submission).

Conditions:
Acute myeloid leukemia (AML). Also called: Acute myeloid leukemia, adult; AML adult; Acute non-lymphocytic leukemia; Acute granulocytic leukemia; Leukemia, acute myelogenous, somatic; Leukemia, acute myeloid, somatic. Identifiers: Orphanet 519, MedGen C0023467, MeSH D015470, MONDO:0018874, OMIM 601626, HP:0004808. Disease mechanism: Constitutively activated FLT3.

gnomAD v4.1: 1 of 1,246,252 alleles (0.00008%); highest among the groups gnomAD compares: Middle Eastern, 0.032%; no homozygotes.

Submission:

Labcorp Genetics (formerly Invitae), Labcorp
Classification: Uncertain significance for Acute myeloid leukemia. Last evaluated: 2019-08-26. Review status: criteria provided, single submitter. Criteria: Invitae Variant Classification Sherloc (09022015). Collection method: clinical testing. Allele origin: germline.
Comment: This sequence change replaces glycine with arginine at codon 151 of the CEBPA protein (p.Gly151Arg). The glycine residue is weakly conserved and there is a moderate physicochemical difference between glycine and arginine. The frequency data for this variant in the population databases is considered unreliable, as metrics indicate insufficient coverage at this position in the ExAC database. This variant has not been reported in the literature in individuals with CEBPA-related conditions. Algorithms developed to predict the effect of missense changes on protein structure and function (SIFT, PolyPhen-2, Align-GVGD) all suggest that this variant is likely to be tolerated, but these predictions have not been confirmed by published functional studies and their clinical significance is uncertain. In summary, the available evidence is currently insufficient to determine the role of this variant in disease. Therefore, it has been classified as a Variant of Uncertain Significance.

NM_004364.5(CEBPA):c.451G>A (p.Gly151Arg)

Gene: CEBPA (CCAAT enhancer binding protein alpha; minus strand). Cytogenetic location: 19q13.11.
Variant type: single nucleotide variant.
Coding change: c.451G>A on transcript NM_004364.5 (MANE Select); coding-DNA position 451, G replaced by A.
Protein change: p.Gly151Arg; replaces glycine 151 with arginine.
Molecular consequence: missense variant.
Genome position (GRCh38, 1-based): chr19:33,301,964, C>T on the plus strand (G>A on the coding strand, the complement: CEBPA is on the minus strand). VCF-style: chr19-33301964-C-T. GRCh37 (hg19) VCF-style: chr19-33792870-C-T.
Other names: c.94G>A, p.Gly32Arg (NM_001285829.2); c.556G>A, p.Gly186Arg (NM_001287424.2); c.409G>A, p.Gly137Arg (NM_001287435.2); short protein forms G151R, G32R, G137R, G186R.
Identifiers: ClinVar variation 963013 (VCV000963013.2), dbSNP rs986682061, ClinGen allele CA405274925.
Genomic context (GRCh38, chr19:33,301,964, plus strand): 5'-TGGCTTCATCCTCCTCGCGGGGCTCCTGCTTGATCACCAGCGGCCGCAGCGCCGGCGCCC[C>T]GACGCGCTCGTACAGGGGCTCCAGCCTGCCGTCCAGGTAGCCGGCGGCCGCGCAGCCGTA-3'
Protein context (NP_004355.2, residues 141-161): GRLEPLYERV[Gly151Arg]APALRPLVIK